The following is an entry in ClinVar:

NM_002074.5(GNB1):c.586A>T (p.Thr196Ser)

Gene: GNB1 (G protein subunit beta 1; minus strand). Cytogenetic location: 1p36.33.
Variant type: single nucleotide variant.
Coding change: c.586A>T on transcript NM_002074.5 (MANE Select); coding-DNA position 586, A replaced by T.
Protein change: p.Thr196Ser; replaces threonine 196 with serine.
Molecular consequence: missense variant.
Genome position (GRCh38, 1-based): chr1:1,790,508, T>A on the plus strand (A>T on the coding strand, the complement: GNB1 is on the minus strand). VCF-style: chr1-1790508-T-A. GRCh37 (hg19) VCF-style: chr1-1721947-T-A.
Other names: c.286A>T, p.Thr96Ser (NM_001282538.2); c.586A>T, p.Thr196Ser (NM_001282539.2); short protein forms T96S, T196S.
Identifiers: ClinVar variation 1950296 (VCV001950296.5), dbSNP rs757075718, ClinGen allele CA337906838.

ClinVar aggregate classification (germline): Uncertain significance (1 of 4 stars; one submission).

Allele frequency attached by ClinVar (database versions not stated): gnomAD 0.00001.
gnomAD v4.1: 3 of 1,613,354 alleles (0.00019%); highest among the groups gnomAD compares: Non-Finnish European, 0.00025%; no homozygotes.

Submission:

Labcorp Genetics (formerly Invitae), Labcorp
Classification: Uncertain significance. Last evaluated: 2022-03-12. Review status: criteria provided, single submitter. Criteria: Invitae Variant Classification Sherloc (09022015). Collection method: clinical testing. Allele origin: germline.
Comment: This variant has not been reported in the literature in individuals affected with GNB1-related conditions. This variant is present in population databases (no rsID available, gnomAD 0.002%). This sequence change replaces threonine, which is neutral and polar, with serine, which is neutral and polar, at codon 196 of the GNB1 protein (p.Thr196Ser). Algorithms developed to predict the effect of missense changes on protein structure and function output the following: SIFT: "Tolerated"; PolyPhen-2: "Benign"; Align-GVGD: "Class C0". The serine amino acid residue is found in multiple mammalian species, which suggests that this missense change does not adversely affect protein function. In summary, the available evidence is currently insufficient to determine the role of this variant in disease. Therefore, it has been classified as a Variant of Uncertain Significance.